The following is an entry in ClinVar:

ClinVar aggregate classification (germline): Uncertain significance (1 of 4 stars; one submission).

Allele frequency attached by ClinVar (database versions not stated): gnomAD exomes below 0.00001; ExAC 0.00001.

Submission:

Labcorp Genetics (formerly Invitae), Labcorp
Classification: Uncertain significance. Last evaluated: 2022-05-30. Review status: criteria provided, single submitter. Criteria: Invitae Variant Classification Sherloc (09022015). Collection method: clinical testing. Allele origin: germline.
Comment: This sequence change replaces cysteine, which is neutral and slightly polar, with tyrosine, which is neutral and polar, at codon 894 of the DUOX2 protein (p.Cys894Tyr). This variant is present in population databases (rs777785143, gnomAD 0.0009%). This variant has not been reported in the literature in individuals affected with DUOX2-related conditions. Advanced modeling of protein sequence and biophysical properties (such as structural, functional, and spatial information, amino acid conservation, physicochemical variation, residue mobility, and thermodynamic stability) performed at Invitae indicates that this missense variant is not expected to disrupt DUOX2 protein function. In summary, the available evidence is currently insufficient to determine the role of this variant in disease. Therefore, it has been classified as a Variant of Uncertain Significance.

NM_001363711.2(DUOX2):c.2681G>A (p.Cys894Tyr)

Gene: DUOX2 (dual oxidase 2; minus strand). Cytogenetic location: 15q21.1.
Variant type: single nucleotide variant.
Coding change: c.2681G>A on transcript NM_001363711.2 (MANE Select); coding-DNA position 2681, G replaced by A.
Protein change: p.Cys894Tyr; replaces cysteine 894 with tyrosine.
Molecular consequence: missense variant.
Genome position (GRCh38, 1-based): chr15:45,101,963, C>T on the plus strand (G>A on the coding strand, the complement: DUOX2 is on the minus strand). VCF-style: chr15-45101963-C-T. GRCh37 (hg19) VCF-style: chr15-45394161-C-T.
Other names: c.2681G>A, p.Cys894Tyr (NM_014080.5); short protein forms C894Y.
Identifiers: ClinVar variation 1931350 (VCV001931350.2), dbSNP rs777785143, ClinGen allele CA7538176.
Genomic context (GRCh38, chr15:45,101,963, plus strand): 5'-TGGAATCCCGACTCCCGGAACATAGACTCCACCACCTCGGCCAGCTGGGCCTTGGACAGG[C>T]AGTTGTTGGAGATCTCGATGAAGGATCTGGAGGAGGACCAGAGACACAGCAGCCTGTCAC-3'
Protein context (NP_001350640.1, residues 884-904): MRSFIEISNN[Cys894Tyr]LSKAQLAEVV